The following is an entry in ClinVar:

ClinVar aggregate classification (germline): Uncertain significance (0 of 4 stars; one submission).

Conditions:
NCOA1-related disorder. Also called: NCOA1-related condition.

gnomAD v4.1: 8 of 1,614,090 alleles (0.0005%); highest among the groups gnomAD compares: Non-Finnish European, 0.00059%; no homozygotes.

Submission:

PreventionGenetics, part of Exact Sciences
Classification: Uncertain significance for NCOA1-related condition. Last evaluated: 2024-06-21. Review status: no assertion criteria provided. Collection method: clinical testing. Allele origin: germline.
Comment: The NCOA1 c.2339A>G variant is predicted to result in the amino acid substitution p.Gln780Arg. To our knowledge, this variant has not been reported in the literature. This variant is reported in 0.0065% of alleles in individuals of European (Non-Finnish) descent in gnomAD. At this time, the clinical significance of this variant is uncertain due to the absence of conclusive functional and genetic evidence.

NM_003743.5(NCOA1):c.2339A>G (p.Gln780Arg)

Gene: NCOA1 (nuclear receptor coactivator 1; plus strand). Cytogenetic location: 2p23.3.
Variant type: single nucleotide variant.
Coding change: c.2339A>G on transcript NM_003743.5 (MANE Select); coding-DNA position 2339, A replaced by G.
Protein change: p.Gln780Arg; replaces glutamine 780 with arginine.
Molecular consequence: missense variant.
Genome position (GRCh38, 1-based): chr2:24,707,809, A>G. VCF-style: chr2-24707809-A-G. GRCh37 (hg19) VCF-style: chr2-24930678-A-G.
Other names: c.2339A>G, p.Gln780Arg (NM_001362950.1, NM_001362952.1, NM_001362954.1 and 3 more transcripts); short protein forms Q780R.
Identifiers: ClinVar variation 3349930 (VCV003349930.1).